The following is an entry in ClinVar:

NM_006182.4(DDR2):c.397C>T (p.Arg133Trp)

Gene: DDR2 (discoidin domain receptor tyrosine kinase 2; plus strand). Cytogenetic location: 1q23.3.
Variant type: single nucleotide variant.
Coding change: c.397C>T on transcript NM_006182.4 (MANE Select); coding-DNA position 397, C replaced by T.
Protein change: p.Arg133Trp; replaces arginine 133 with tryptophan.
Molecular consequence: missense variant.
Genome position (GRCh38, 1-based): chr1:162,754,835, C>T. VCF-style: chr1-162754835-C-T. GRCh37 (hg19) VCF-style: chr1-162724625-C-T.
Other names: c.397C>T, p.Arg133Trp (NM_001014796.3, NM_001354982.2, NM_001354983.2); short protein forms R133W.
Identifiers: ClinVar variation 1436133 (VCV001436133.8), dbSNP rs757919179, ClinGen allele CA1217223.

ClinVar aggregate classification (germline): Uncertain significance. Review status: criteria provided, multiple submitters, no conflicts (2 of 4 stars). 2 submissions from 2 submitters: Uncertain significance (2). Last evaluated 2022-07-06.

Conditions:
Spondyloepimetaphyseal dysplasia-short limb-abnormal calcification syndrome (SMED-SL). Also called: SMED short limb-hand type; SMED type 2; Spondylometaepiphyseal dysplasia short limb-abnormal calcification type; Smed short limb-abnormal calcification type; Spondylometaepiphyseal dysplasia, short limb-hand type; SMED, TYPE II. Identifiers: Orphanet 93358, MedGen C1849011, MONDO:0010077, OMIM 271665.
Warburg-cinotti syndrome. Identifiers: MedGen C5193019, MONDO:0032579, OMIM 618175.

Allele frequency attached by ClinVar (database versions not stated): gnomAD exomes 0.00001 and 0.00003; ExAC 0.00006.
gnomAD v4.1: 15 of 1,613,936 alleles (0.00093%); highest among the groups gnomAD compares: Non-Finnish European, 0.0013%; no homozygotes.

Submissions (2):

Labcorp Genetics (formerly Invitae), Labcorp
Classification: Uncertain significance. Last evaluated: 2022-07-06. Review status: criteria provided, single submitter. Criteria: Invitae Variant Classification Sherloc (09022015). Collection method: clinical testing. Allele origin: germline.
Comment: In summary, the available evidence is currently insufficient to determine the role of this variant in disease. Therefore, it has been classified as a Variant of Uncertain Significance. Algorithms developed to predict the effect of missense changes on protein structure and function are either unavailable or do not agree on the potential impact of this missense change (SIFT: "Deleterious"; PolyPhen-2: "Probably Damaging"; Align-GVGD: "Class C0"). ClinVar contains an entry for this variant (Variation ID: 1436133). This variant has not been reported in the literature in individuals affected with DDR2-related conditions. This variant is present in population databases (rs757919179, gnomAD 0.008%). This sequence change replaces arginine, which is basic and polar, with tryptophan, which is neutral and slightly polar, at codon 133 of the DDR2 protein (p.Arg133Trp).

Juno Genomics, Hangzhou Juno Genomics, Inc
Classification: Uncertain significance for Spondyloepimetaphyseal dysplasia-short limb-abnormal calcification syndrome; Warburg-cinotti syndrome. Review status: criteria provided, single submitter. Criteria: ACMG Guidelines, 2015. Collection method: clinical testing. Allele origin: germline.
Comment: Absent from controls (or at extremely low frequency if recessive) in Genome Aggregation Database.;Missense variant in a gene that has a low rate of benign missense variation.;Multiple lines of computational evidence support a deleterious effect on the gene or gene product.